The following is an entry in ClinVar:

NM_014956.5(CEP164):c.1637C>T (p.Ala546Val)

Gene: CEP164 (centrosomal protein 164; plus strand). Cytogenetic location: 11q23.3.
Variant type: single nucleotide variant.
Coding change: c.1637C>T on transcript NM_014956.5 (MANE Select); coding-DNA position 1637, C replaced by T.
Protein change: p.Ala546Val; replaces alanine 546 with valine.
Molecular consequence: missense variant.
Genome position (GRCh38, 1-based): chr11:117,382,855, C>T. VCF-style: chr11-117382855-C-T. GRCh37 (hg19) VCF-style: chr11-117253571-C-T.
Other names: c.1646C>T, p.Ala549Val (NM_001271933.2); short protein forms A549V, A546V.
Identifiers: ClinVar variation 1971053 (VCV001971053.5), dbSNP rs199663982, ClinGen allele CA6294811.

ClinVar aggregate classification (germline): Uncertain significance (1 of 4 stars; one submission).

Conditions:
Nephronophthisis 15 (NPHP15). Identifiers: Orphanet 3156, MedGen C3541853, MONDO:0013917, OMIM 614845.

Allele frequency attached by ClinVar (database versions not stated): ExAC 0.00001; gnomAD 0.00001; 1000 Genomes Project 0.00020; 1000 Genomes Project 30x 0.00031.
gnomAD v4.1: 2 of 1,614,140 alleles (0.00012%); highest among the groups gnomAD compares: East Asian, 0.0045%; no homozygotes.

Submission:

Labcorp Genetics (formerly Invitae), Labcorp
Classification: Uncertain significance for Nephronophthisis 15. Last evaluated: 2022-08-09. Review status: criteria provided, single submitter. Criteria: Invitae Variant Classification Sherloc (09022015). Collection method: clinical testing. Allele origin: germline.
Comment: In summary, the available evidence is currently insufficient to determine the role of this variant in disease. Therefore, it has been classified as a Variant of Uncertain Significance. Algorithms developed to predict the effect of missense changes on protein structure and function output the following: SIFT: "Deleterious"; PolyPhen-2: "Benign"; Align-GVGD: "Class C0". The valine amino acid residue is found in multiple mammalian species, which suggests that this missense change does not adversely affect protein function. This variant has not been reported in the literature in individuals affected with CEP164-related conditions. This variant is present in population databases (rs199663982, gnomAD 0.01%). This sequence change replaces alanine, which is neutral and non-polar, with valine, which is neutral and non-polar, at codon 546 of the CEP164 protein (p.Ala546Val).